The following is an entry in ClinVar:

NM_001286.5(CLCN6):c.70C>T (p.Arg24Cys)

Gene: CLCN6 (chloride voltage-gated channel 6; plus strand). Cytogenetic location: 1p36.22.
Variant type: single nucleotide variant.
Coding change: c.70C>T on transcript NM_001286.5 (MANE Select); coding-DNA position 70, C replaced by T.
Protein change: p.Arg24Cys; replaces arginine 24 with cysteine.
Molecular consequence: missense variant. On other transcripts: non-coding transcript variant (1).
Genome position (GRCh38, 1-based): chr1:11,806,332, C>T. VCF-style: chr1-11806332-C-T. GRCh37 (hg19) VCF-style: chr1-11866389-C-T.
Other names: c.70C>T, p.Arg24Cys (NM_001256959.2); short protein forms R24C.
Identifiers: ClinVar variation 2170584 (VCV002170584.4), dbSNP rs767943876, ClinGen allele CA595861.

ClinVar aggregate classification (germline): Uncertain significance (1 of 4 stars; one submission).

Allele frequency attached by ClinVar (database versions not stated): ExAC 0.00001; gnomAD exomes 0.00001; TOPMed 0.00001; gnomAD 0.00003.
gnomAD v4.1: 11 of 1,515,768 alleles (0.00073%); highest among the groups gnomAD compares: Admixed American, 0.0026%; no homozygotes.

Submission:

Labcorp Genetics (formerly Invitae), Labcorp
Classification: Uncertain significance. Last evaluated: 2025-12-28. Review status: criteria provided, single submitter. Criteria: Invitae Variant Classification Sherloc (09022015). Collection method: clinical testing. Allele origin: germline.
Comment: This sequence change replaces arginine, which is basic and polar, with cysteine, which is neutral and slightly polar, at codon 24 of the CLCN6 protein (p.Arg24Cys). The frequency data for this variant in the population databases is considered unreliable, as metrics indicate poor data quality at this position in the gnomAD database. This variant has not been reported in the literature in individuals affected with CLCN6-related conditions. ClinVar contains an entry for this variant (Variation ID: 2170584). An algorithm developed to predict the effect of missense changes on protein structure and function (PolyPhen-2) suggests that this variant is likely to be disruptive. In summary, the available evidence is currently insufficient to determine the role of this variant in disease. Therefore, it has been classified as a Variant of Uncertain Significance.